The following is an entry in ClinVar:

ClinVar aggregate classification (germline): Likely benign. Review status: criteria provided, multiple submitters, no conflicts (2 of 4 stars). 2 submissions from 2 submitters: Likely benign (2). Last evaluated 2026-03-04.

Conditions:
SBF2-related disorder. Also called: SBF2-related condition.
Charcot-Marie-Tooth disease type 4. Also called: Charcot-Marie-Tooth disease, type IV; Charcot-Marie-Tooth, Type 4. Identifiers: Orphanet 64749, MedGen C4082197, MONDO:0018995.

Allele frequency attached by ClinVar (database versions not stated): gnomAD 0.00001; gnomAD exomes 0.00001; TOPMed 0.00001.
gnomAD v4.1: 31 of 1,611,644 alleles (0.0019%); highest among the groups gnomAD compares: Non-Finnish European, 0.002%; no homozygotes.

Submissions (2):

PreventionGenetics, part of Exact Sciences
Classification: Likely benign for SBF2-related condition. Last evaluated: 2026-03-04. Review status: criteria provided, single submitter. Criteria: ACMG Guidelines, 2015. Collection method: clinical testing. Allele origin: germline.
Comment: This variant is classified as likely benign based on ACMG/AMP sequence variant interpretation guidelines (Richards et al. 2015 PMID: 25741868, with internal and published modifications).

Labcorp Genetics (formerly Invitae), Labcorp
Classification: Likely benign for Charcot-Marie-Tooth disease type 4. Last evaluated: 2022-09-23. Review status: criteria provided, single submitter. Criteria: Invitae Variant Classification Sherloc (09022015). Collection method: clinical testing. Allele origin: germline.

NM_030962.4(SBF2):c.1653A>G (p.Glu551=)

Gene: SBF2 (SET binding factor 2; minus strand). Cytogenetic location: 11p15.4.
Variant type: single nucleotide variant.
Coding change: c.1653A>G on transcript NM_030962.4 (MANE Select); coding-DNA position 1653, A replaced by G.
Protein change: p.Glu551=; no amino-acid change (glutamic acid 551 retained).
Molecular consequence: synonymous variant.
Genome position (GRCh38, 1-based): chr11:9,963,830, T>C on the plus strand (A>G on the coding strand, the complement: SBF2 is on the minus strand). VCF-style: chr11-9963830-T-C. GRCh37 (hg19) VCF-style: chr11-9985377-T-C.
Other names: c.1653A>G (NM_030962.3); c.1653A>G, p.Glu551= (NM_001386339.1); c.1524A>G, p.Glu508= (NM_001386342.1).
Identifiers: ClinVar variation 1091321 (VCV001091321.10), dbSNP rs942849510, ClinGen allele CA217664009.